The following is an entry in ClinVar:

ClinVar aggregate classification (germline): Uncertain significance. Review status: criteria provided, multiple submitters, no conflicts (2 of 4 stars). 2 submissions from 2 submitters: Uncertain significance (2). Last evaluated 2025-06-09.

Conditions:
Wilson disease (WND). Also called: Wilson's disease. Identifiers: Orphanet 905, MedGen C0019202, MONDO:0010200, OMIM 277900. Disease mechanism: loss of function.

gnomAD v4.1: 21 of 1,614,086 alleles (0.0013%); highest among the groups gnomAD compares: South Asian, 0.0055%; no homozygotes.

Submissions (2):

Color Diagnostics, LLC DBA Color Health
Classification: Uncertain significance for Wilson disease. Last evaluated: 2025-06-09. Review status: criteria provided, single submitter. Criteria: ACMG Guidelines, 2015. Collection method: clinical testing. Allele origin: germline.
Comment: This missense variant replaces lysine with arginine at codon 531 of the ATP7B protein. Computational prediction suggests that this variant may not impact protein structure and function. To our knowledge, functional studies have not been reported for this variant. This variant has not been reported in individuals affected with ATP7B-related disorders in the literature. This variant has been identified in 6/249430 chromosomes in the general population by the Genome Aggregation Database (gnomAD). The available evidence is insufficient to determine the role of this variant in disease conclusively. Therefore, this variant is classified as a Variant of Uncertain Significance.

GeneDx
Classification: Uncertain significance. Last evaluated: 2024-11-03. Review status: criteria provided, single submitter. Criteria: GeneDx Variant Classification Process June 2021. Collection method: clinical testing. Allele origin: germline. Affected: yes.
Comment: Not observed at significant frequency in large population cohorts (gnomAD); In silico analysis indicates that this missense variant does not alter protein structure/function; Has not been previously published as pathogenic or benign to our knowledge

NM_000053.4(ATP7B):c.1592A>G (p.Lys531Arg)

Gene: ATP7B (ATPase copper transporting beta; minus strand). Cytogenetic location: 13q14.3.
Variant type: single nucleotide variant.
Coding change: c.1592A>G on transcript NM_000053.4 (MANE Select); coding-DNA position 1592, A replaced by G.
Protein change: p.Lys531Arg; replaces lysine 531 with arginine.
Molecular consequence: missense variant. On other transcripts: intron variant (1).
Genome position (GRCh38, 1-based): chr13:51,968,559, T>C on the plus strand (A>G on the coding strand, the complement: ATP7B is on the minus strand). VCF-style: chr13-51968559-T-C. GRCh37 (hg19) VCF-style: chr13-52542695-T-C.
Other names: c.1592A>G, p.Lys531Arg (NM_001005918.3, NM_001330578.2, NM_001330579.2 and 26 more transcripts); c.1259A>G, p.Lys420Arg (NM_001243182.2); c.1496A>G, p.Lys499Arg (NM_001406517.1, NM_001406518.1, NM_001406543.1 and 3 more transcripts); c.1559A>G, p.Lys520Arg (NM_001406524.1, NM_001406514.1); c.1163A>G, p.Lys388Arg (NM_001406539.1); c.1285+5376A>G (NM_001406548.1); short protein forms K388R, K420R, K499R, K520R, K531R.
Identifiers: ClinVar variation 3897427 (VCV003897427.2).